The following is an entry in ClinVar:

ClinVar aggregate classification (germline): Benign/Likely benign. Review status: criteria provided, multiple submitters, no conflicts (2 of 4 stars). 4 submissions from 4 submitters: Benign (1); Likely benign (3). Last evaluated 2026-01-11.

Conditions:
Hereditary cancer-predisposing syndrome. Also called: Hereditary neoplastic syndrome; Neoplastic Syndromes, Hereditary; Tumor predisposition; Hereditary Cancer Syndrome. Identifiers: Orphanet 140162, MedGen C0027672, MeSH D009386, MONDO:0015356.
Fanconi anemia complementation group J. Also called: BRIP1-Related Fanconi Anemia. Identifiers: Orphanet 84, MedGen C1836860, MONDO:0012187, OMIM 609054.
Familial cancer of breast. Also called: BREAST CANCER, FAMILIAL; hereditary breast carcinoma; Hereditary breast cancer. Identifiers: Orphanet 227535, MedGen C0346153, MONDO:0016419, OMIM 114480. Disease mechanism: loss of function.

Allele frequency attached by ClinVar (database versions not stated): gnomAD exomes below 0.00001; ESP Exome Variant Server 0.00008.
gnomAD v4.1: 1 of 1,612,534 alleles (0.000062%); highest among the groups gnomAD compares: Non-Finnish European, 0.000085%; no homozygotes.

Submissions (4):

Labcorp Genetics (formerly Invitae), Labcorp
Classification: Likely benign for Familial cancer of breast; Fanconi anemia complementation group J. Last evaluated: 2026-01-11. Review status: criteria provided, single submitter. Criteria: Invitae Variant Classification Sherloc (09022015). Collection method: clinical testing. Allele origin: germline.

Myriad Genetics, Inc.
Classification: Benign for Familial cancer of breast. Last evaluated: 2024-09-09. Review status: criteria provided, single submitter. Criteria: Myriad Autosomal Dominant, Autosomal Recessive and X-Linked Classification Criteria (2023). Collection method: clinical testing. Allele origin: unknown.
Comment: This variant is considered benign. This variant is a silent/synonymous amino acid change and it is not expected to impact splicing.

Color Diagnostics, LLC DBA Color Health
Classification: Likely benign for Hereditary cancer-predisposing syndrome. Last evaluated: 2017-02-27. Review status: criteria provided, single submitter. Criteria: ACMG Guidelines, 2015. Collection method: clinical testing. Allele origin: germline.

Ambry Genetics
Classification: Likely benign for Hereditary cancer-predisposing syndrome. Last evaluated: 2015-11-09. Review status: criteria provided, single submitter. Criteria: Ambry Variant Classification Scheme 2023. Collection method: clinical testing. Allele origin: germline.

NM_032043.3(BRIP1):c.2883C>T (p.Ser961=)

Gene: BRIP1 (BRCA1 interacting DNA helicase 1; minus strand). Cytogenetic location: 17q23.2.
Variant type: single nucleotide variant.
Coding change: c.2883C>T on transcript NM_032043.3 (MANE Select); coding-DNA position 2883, C replaced by T.
Protein change: p.Ser961=; no amino-acid change (serine 961 retained).
Molecular consequence: synonymous variant.
Genome position (GRCh38, 1-based): chr17:61,685,858, G>A on the plus strand (C>T on the coding strand, the complement: BRIP1 is on the minus strand). VCF-style: chr17-61685858-G-A. GRCh37 (hg19) VCF-style: chr17-59763219-G-A.
Identifiers: ClinVar variation 461129 (VCV000461129.19), dbSNP rs367728797, ClinGen allele CA292268034.
Genomic context (GRCh38, chr17:61,685,858, plus strand): 5'-CTTCTCTATCAAAGGTAAATGGGAAGAACTTTTCATACTTTTCTCCTTTCTGGAGATAAT[G>A]CTACTTGGTAGAGGTGAATTTTTGGTAATAATTTTAGGACACTGTAGTTCCTGGACACAT-3'
Protein context (NP_114432.2, residues 951-971): IITKNSPLPS[Ser961=]IISRKEKNDP